The following is an entry in ClinVar:

NM_004360.5(CDH1):c.1408del (p.Thr470fs)

Gene: CDH1 (cadherin 1; plus strand). Cytogenetic location: 16q22.1.
Variant type: Deletion.
Coding change: c.1408del on transcript NM_004360.5 (MANE Select); coding-DNA position 1408, one base deleted (A; older notation c.1408delA).
Protein change: p.Thr470fs; shifts the reading frame from threonine 470.
Molecular consequence: frameshift variant. On other transcripts: 5 prime UTR variant (2).
Genome position (GRCh38, 1-based): chr16:68,815,602, A deleted. VCF-style (leftmost placement, unchanged base first): chr16-68815601-CA-C. GRCh37 (hg19) VCF-style: chr16-68849504-CA-C.
Other names: c.1408del (LRG_301t1); c.1225del, p.Thr409fs (NM_001317184.2); c.-141del (NM_001317185.2); c.-412del (NM_001317186.2); short protein forms T409fs, T470fs.
Identifiers: ClinVar variation 428633 (VCV000428633.6), dbSNP rs1131690821, ClinGen allele CA645369638.

ClinVar aggregate classification (germline): Pathogenic. Review status: reviewed by expert panel (3 of 4 stars). 2 submissions from 2 submitters: Pathogenic (1). 1 of the submissions does not count toward it. Last evaluated 2023-08-25.

Conditions:
CDH1-related diffuse gastric and lobular breast cancer syndrome. Also called: CDH1-related diffuse gastric and lobular breast cancer. Identifiers: MedGen CN311521, MONDO:0100488.
Hereditary cancer-predisposing syndrome. Also called: Hereditary Cancer Syndrome; Neoplastic Syndromes, Hereditary; Hereditary neoplastic syndrome; Tumor predisposition. Identifiers: Orphanet 140162, MedGen C0027672, MeSH D009386, MONDO:0015356.

Submissions (2):

Clingen Gastric Cancer Variant Curation Expert Panel
Classification: Pathogenic for CDH1-related diffuse gastric and lobular breast cancer syndrome. Last evaluated: 2023-08-25. Review status: reviewed by expert panel. Criteria: ClinGen CDH1 ACMG Specifications V3.1. Collection method: curation. Allele origin: germline. Inheritance: Autosomal dominant inheritance.
Comment: The c.1408del (p.Thr470fs) variant is predicted to result in a premature stop codon that leads to a truncated or absent protein (PVS1, PM5_Supporting). The variant is absent in the gnomAD cohort (PM2_Supporting). The variant has been reported in a family meeting clinical criteria for HDGC (PS4_Supporting; SCV000580711.3). In summary, this variant meets criteria to be classified as Pathogenic based on the ACMG/AMP criteria applied as specified by the CDH1 Variant Curation Expert Panel (Variant Interpretation Guidelines Version 3.1): PVS1, PM2_Supporting, PS4_Supporting, PM5_Supporting.

Ambry Genetics
Classification: Pathogenic for Hereditary cancer-predisposing syndrome. Last evaluated: 2015-02-16. Review status: criteria provided, single submitter. Criteria: Ambry Variant Classification Scheme 2023. Collection method: clinical testing. Allele origin: germline. Not counted in ClinVar's aggregate classification.
Comment: The c.1408delA pathogenic mutation, located in coding exon 10 of the CDH1 gene, results from a deletion of one nucleotide at position 1408, causing a translational frameshift with a predicted alternate stop codon. Since frameshifts are typically deleterious in nature, this alteration is interpreted as a disease-causing mutation (ACMG Recommendations for Standards for Interpretation and Reporting of Sequence Variations. Revision 2007. Genet Med. 2008;10:294).